The following is an entry in ClinVar:

NM_003922.4(HERC1):c.8584G>A (p.Ala2862Thr)

Gene: HERC1 (HECT and RLD domain containing E3 ubiquitin protein ligase family member 1; minus strand). Cytogenetic location: 15q22.31.
Variant type: single nucleotide variant.
Coding change: c.8584G>A on transcript NM_003922.4 (MANE Select); coding-DNA position 8584, G replaced by A.
Protein change: p.Ala2862Thr; replaces alanine 2862 with threonine.
Molecular consequence: missense variant.
Genome position (GRCh38, 1-based): chr15:63,664,566, C>T on the plus strand (G>A on the coding strand, the complement: HERC1 is on the minus strand). VCF-style: chr15-63664566-C-T. GRCh37 (hg19) VCF-style: chr15-63956765-C-T.
Other names: short protein forms A2862T.
Identifiers: ClinVar variation 3251898 (VCV003251898.1), dbSNP rs1378480176.

ClinVar aggregate classification (germline): Uncertain significance (1 of 4 stars; one submission).

Allele frequency attached by ClinVar (database versions not stated): gnomAD exomes below 0.00001.
gnomAD v4.1: 1 of 1,613,650 alleles (0.000062%); highest among the groups gnomAD compares: African/African-American, 0.0013%; no homozygotes.

Submission:

Women's Health and Genetics/Laboratory Corporation of America, LabCorp
Classification: Uncertain significance. Last evaluated: 2024-04-17. Review status: criteria provided, single submitter. Criteria: LabCorp Variant Classification Summary - May 2015. Collection method: clinical testing. Allele origin: germline.
Comment: Variant summary: HERC1 c.8584G>A (p.Ala2862Thr) results in a non-conservative amino acid change in the encoded protein sequence. Three of five in-silico tools predict a benign effect of the variant on protein function. The variant allele was found at a frequency of 4e-06 in 248820 control chromosomes (gnomAD v2.1). The available data on variant occurrences in the general population are insufficient to allow any conclusion about variant significance. To our knowledge, no occurrence of c.8584G>A in individuals affected with Macrocephaly, Dysmorphic Facies, And Psychomotor Retardation and no experimental evidence demonstrating its impact on protein function have been reported. No submitters have cited clinical-significance assessments for this variant to ClinVar. Based on the evidence outlined above, the variant was classified as uncertain significance.